The following is an entry in ClinVar:

ClinVar aggregate classification (germline): Uncertain significance. Review status: criteria provided, multiple submitters, no conflicts (2 of 4 stars). 2 submissions from 2 submitters: Uncertain significance (2). Last evaluated 2023-02-22.

Conditions:
Inborn genetic diseases. Identifiers: MedGen C0950123, MeSH D030342.

Allele frequency attached by ClinVar (database versions not stated): gnomAD exomes 0.00005; ExAC 0.00011; TOPMed 0.00015; 1000 Genomes Project 30x 0.00016; 1000 Genomes Project 0.00020; ESP Exome Variant Server 0.00023.
gnomAD v4.1: 89 of 1,609,844 alleles (0.0055%); highest among the groups gnomAD compares: Admixed American, 0.047%; no homozygotes.

Submissions (2):

Ambry Genetics
Classification: Uncertain significance for Inborn genetic diseases. Last evaluated: 2023-02-22. Review status: criteria provided, single submitter. Criteria: Ambry Variant Classification Scheme 2023. Collection method: clinical testing. Allele origin: germline.

Labcorp Genetics (formerly Invitae), Labcorp
Classification: Uncertain significance. Last evaluated: 2022-05-30. Review status: criteria provided, single submitter. Criteria: Invitae Variant Classification Sherloc (09022015). Collection method: clinical testing. Allele origin: germline.
Comment: This sequence change replaces threonine, which is neutral and polar, with methionine, which is neutral and non-polar, at codon 263 of the TSFM protein (p.Thr263Met). This variant is present in population databases (rs188794079, gnomAD 0.05%). This variant has not been reported in the literature in individuals affected with TSFM-related conditions. Algorithms developed to predict the effect of missense changes on protein structure and function (SIFT, PolyPhen-2, Align-GVGD) all suggest that this variant is likely to be tolerated. In summary, the available evidence is currently insufficient to determine the role of this variant in disease. Therefore, it has been classified as a Variant of Uncertain Significance.

NM_005726.6(TSFM):c.725C>T (p.Thr242Met)

Gene: TSFM (Ts translation elongation factor, mitochondrial; plus strand). Cytogenetic location: 12q14.1.
Variant type: single nucleotide variant.
Coding change: c.725C>T on transcript NM_005726.6 (MANE Select); coding-DNA position 725, C replaced by T.
Protein change: p.Thr242Met; replaces threonine 242 with methionine.
Molecular consequence: missense variant. On other transcripts: 3 prime UTR variant (1), intron variant (1).
Genome position (GRCh38, 1-based): chr12:57,796,330, C>T. VCF-style: chr12-57796330-C-T. GRCh37 (hg19) VCF-style: chr12-58190113-C-T.
Other names: c.*133C>T (NM_001172695.2); c.788C>T, p.Thr263Met (NM_001172696.2); c.571+3257C>T (NM_001172697.2); c.788C>T (NM_001172696.1); short protein forms T242M, T263M.
Identifiers: ClinVar variation 1906140 (VCV001906140.4), dbSNP rs188794079, ClinGen allele CA6659434.
Genomic context (GRCh38, chr12:57,796,330, plus strand): 5'-AGAGTCCCTCACTTCACAAGCTGGTGCTGGGGAAGTATGGGGCCCTGGTCATCTGTGAGA[C>T]GTCTGAACAGAAAACAAACCTTGAAGACGTTGGCCGCCGCCTTGGGCAGCATGTGGTGGG-3'
Protein context (NP_005717.3, residues 232-252): GKYGALVICE[Thr242Met]SEQKTNLEDV